The following is an entry in ClinVar:

ClinVar aggregate classification (germline): Uncertain significance. Review status: criteria provided, multiple submitters, no conflicts (2 of 4 stars). 3 submissions from 3 submitters: Uncertain significance (2). 1 of the submissions does not count toward it. Last evaluated 2025-11-19.

Conditions:
TBXA2R-related disorder. Also called: TBXA2R-related condition.

gnomAD v4.1: 284 of 1,531,294 alleles (0.019%); highest among the groups gnomAD compares: Non-Finnish European, 0.024%; no homozygotes.

Submissions (3):

Women's Health and Genetics/Laboratory Corporation of America, LabCorp
Classification: Uncertain significance. Last evaluated: 2025-11-19. Review status: criteria provided, single submitter. Criteria: LabCorp Variant Classification Summary - May 2015. Collection method: clinical testing. Allele origin: germline.
Comment: Variant summary: TBXA2R c.*715C>T is located in the untranslated mRNA region downstream of the termination codon. The variant allele was found at a frequency of 0.00011 in 140504 control chromosomes, predominantly at a frequency of 0.00027 within the Non-Finnish European subpopulation in the gnomAD database. This frequency is not significantly higher than estimated for disease-causing variants in TBXA2R, allowing no conclusion about variant significance. To our knowledge, no occurrence of c.*715C>T in individuals affected with TBXA2R-related conditions and no experimental evidence demonstrating its impact on protein function have been reported. ClinVar contains an entry for this variant (Variation ID: 3356766). Based on the evidence outlined above, the variant was classified as uncertain significance.

GeneDx
Classification: Uncertain significance. Last evaluated: 2025-08-11. Review status: criteria provided, single submitter. Criteria: GeneDx Variant Classification Process June 2021. Collection method: clinical testing. Allele origin: germline. Affected: yes.
Comment: Has not been previously published as pathogenic or benign to our knowledge; Reported using an alternate transcript of the gene; Nonsense variant predicted to result in protein truncation as the last 45 amino acid(s) are lost with an unclear effect on protein function

PreventionGenetics, part of Exact Sciences
Classification: Uncertain significance for TBXA2R-related condition. Last evaluated: 2024-07-26. Review status: no assertion criteria provided. Collection method: clinical testing. Allele origin: germline. Not counted in ClinVar's aggregate classification.
Comment: The TBXA2R c.1087C>T variant is predicted to result in premature protein termination (p.Arg363*). To our knowledge, this variant has not been reported in the literature. This variant is reported in 0.027% of alleles in individuals of European (Non-Finnish) descent in gnomAD. Few loss-of-function variants have been reported in this gene to date in association with disease (Human Gene Mutation Database). At this time, the clinical significance of this variant is uncertain due to the absence of conclusive functional and genetic evidence.

NM_001060.6(TBXA2R):c.*715C>T

Gene: TBXA2R (thromboxane A2 receptor; minus strand). Cytogenetic location: 19p13.3.
Variant type: single nucleotide variant.
Coding change: c.*715C>T on transcript NM_001060.6 (MANE Select); 715 bases downstream of the stop codon, C replaced by T.
Molecular consequence: 3 prime UTR variant. On other transcripts: nonsense (1).
Genome position (GRCh38, 1-based): chr19:3,594,973, G>A on the plus strand (C>T on the coding strand, the complement: TBXA2R is on the minus strand). VCF-style: chr19-3594973-G-A. GRCh37 (hg19) VCF-style: chr19-3594971-G-A.
Other names: c.1087C>T, p.Arg363Ter (NM_201636.3); short protein forms R363*.
Identifiers: ClinVar variation 3356766 (VCV003356766.3).
Genomic context (GRCh38, chr19:3,594,973, plus strand): 5'-CAGGGTCAAAGAGCATGCAAGGCCGGGCGCAGTGGCTTACGCCTGTAATCCCAGCTGCTC[G>A]GGAGGCTGAGGCACGAGAATCGCTTGAACCCGGGAGGCGGAGGTTGCAGTGAGCCGAGAT-3'